The following is an entry in ClinVar:

ClinVar aggregate classification (germline): Uncertain significance (1 of 4 stars; one submission).

Conditions:
Hereditary cancer-predisposing syndrome. Also called: Hereditary Cancer Syndrome; Hereditary neoplastic syndrome; Neoplastic Syndromes, Hereditary; Tumor predisposition. Identifiers: Orphanet 140162, MedGen C0027672, MeSH D009386, MONDO:0015356.

Submission:

Ambry Genetics
Classification: Uncertain significance for Hereditary cancer-predisposing syndrome. Last evaluated: 2022-08-22. Review status: criteria provided, single submitter. Criteria: Ambry Variant Classification Scheme 2023. Collection method: clinical testing. Allele origin: germline.
Comment: The p.I485V variant (also known as c.1453A>G), located in coding exon 14 of the TSC2 gene, results from an A to G substitution at nucleotide position 1453. The isoleucine at codon 485 is replaced by valine, an amino acid with highly similar properties. This amino acid position is conserved. In addition, the in silico prediction for this alteration is inconclusive. Since supporting evidence is limited at this time, the clinical significance of this alteration remains unclear.

NM_000548.5(TSC2):c.1453A>G (p.Ile485Val)

Gene: TSC2 (TSC complex subunit 2; plus strand). Cytogenetic location: 16p13.3.
Variant type: single nucleotide variant.
Coding change: c.1453A>G on transcript NM_000548.5 (MANE Select); coding-DNA position 1453, A replaced by G.
Protein change: p.Ile485Val; replaces isoleucine 485 with valine.
Molecular consequence: missense variant.
Genome position (GRCh38, 1-based): chr16:2,064,281, A>G. VCF-style: chr16-2064281-A-G. GRCh37 (hg19) VCF-style: chr16-2114282-A-G.
Other names: c.1342A>G, p.Ile448Val (NM_001406670.1, NM_001406678.1, NM_001318827.2); c.1441A>G, p.Ile481Val (NM_001406671.1, NM_001406673.1); c.1306A>G, p.Ile436Val (NM_001406675.1, NM_001406676.1, NM_001318829.2 and 1 more transcripts); c.1396A>G, p.Ile466Val (NM_001406677.1); c.1453A>G, p.Ile485Val (NM_001077183.3, NM_001114382.3, NM_001363528.2 and 6 more transcripts); c.853A>G, p.Ile285Val (NM_001318831.2, NM_001406680.1, NM_001406682.1 and 6 more transcripts); c.1486A>G, p.Ile496Val (NM_001318832.2); c.1543A>G, p.Ile515Val (NM_001406667.1, NM_001406668.1); and 3 more; short protein forms I436V, I285V, I496V, I515V, I37V, I466V, I481V, I485V.
Identifiers: ClinVar variation 1772993 (VCV001772993.2), dbSNP rs2151188401, ClinGen allele CA394325496.